The following is an entry in ClinVar:

ClinVar aggregate classification (germline): Likely pathogenic. Review status: criteria provided, multiple submitters, no conflicts (2 of 4 stars). 5 submissions from 5 submitters: Likely pathogenic (5). Last evaluated 2025-06-22.

Conditions:
Familial adenomatous polyposis 4 (FAP4). Also called: MSH3-related attenuated familial adenomatous polyposis. Identifiers: Orphanet 480536, MedGen C4310719, MONDO:0044300, OMIM 617100.
Hereditary cancer-predisposing syndrome. Also called: Hereditary neoplastic syndrome; Tumor predisposition; Neoplastic Syndromes, Hereditary; Hereditary Cancer Syndrome. Identifiers: Orphanet 140162, MedGen C0027672, MeSH D009386, MONDO:0015356.
Endometrial carcinoma. Also called: Endometrial carcinoma, somatic. Identifiers: MedGen C0476089, MONDO:0002447, OMIM 608089, HP:0012114.

Allele frequency attached by ClinVar (database versions not stated): gnomAD exomes below 0.00001.
gnomAD v4.1: 6 of 1,606,376 alleles (0.00037%); highest among the groups gnomAD compares: Non-Finnish European, 0.00051%; no homozygotes.

Submissions (5):

Labcorp Genetics (formerly Invitae), Labcorp
Classification: Likely pathogenic. Last evaluated: 2025-06-22. Review status: criteria provided, single submitter. Criteria: Invitae Variant Classification Sherloc (09022015). Collection method: clinical testing. Allele origin: germline.
Comment: This sequence change affects a donor splice site in intron 3 of the MSH3 gene. RNA analysis indicates that disruption of this splice site induces altered splicing and may result in an absent or altered protein product. This variant is not present in population databases (gnomAD no frequency). This variant has not been reported in the literature in individuals affected with MSH3-related conditions. ClinVar contains an entry for this variant (Variation ID: 1503258). Studies have shown that disruption of this splice site results in skipping of exon 3, and produces a non-functional protein and/or introduces a premature termination codon (internal data). In summary, the currently available evidence indicates that the variant is pathogenic, but additional data are needed to prove that conclusively. Therefore, this variant has been classified as Likely Pathogenic.

Center for Genomic Medicine, Rigshospitalet, Copenhagen University Hospital
Classification: Likely pathogenic. Last evaluated: 2025-03-04. Review status: criteria provided, single submitter. Criteria: ACMG Guidelines, 2015. Collection method: clinical testing. Allele origin: germline.

Ambry Genetics
Classification: Likely pathogenic for Hereditary cancer-predisposing syndrome. Last evaluated: 2024-09-05. Review status: criteria provided, single submitter. Criteria: Ambry Variant Classification Scheme 2023. Collection method: clinical testing. Allele origin: germline.
Comment: The c.579+1G>A intronic variant results from a G to A substitution one nucleotide after coding exon 3 of the MSH3 gene. This nucleotide position is highly conserved in available vertebrate species. In silico splice site analysis predicts that this alteration will weaken the native splice donor site. RNA studies have demonstrated that this alteration results in abnormal splicing in the set of samples tested (Ambry internal data). Alterations that disrupt the canonical splice site are expected to cause aberrant splicing, resulting in an abnormal protein or a transcript that is subject to nonsense-mediated mRNA decay. As such, this alteration is classified as likely pathogenic.

Myriad Genetics, Inc.
Classification: Likely pathogenic for Familial adenomatous polyposis 4. Last evaluated: 2023-08-29. Review status: criteria provided, single submitter. Criteria: Myriad Autosomal Dominant, Autosomal Recessive and X-Linked Classification Criteria (2023). Collection method: clinical testing. Allele origin: unknown.
Comment: This variant is considered likely pathogenic. This variant occurs within a consensus splice junction and is predicted to result in abnormal mRNA splicing of either an out-of-frame exon or an in-frame exon necessary for protein stability and/or normal function.

Baylor Genetics
Classification: Likely pathogenic for Endometrial carcinoma. Last evaluated: 2021-07-27. Review status: criteria provided, single submitter. Criteria: ACMG Guidelines, 2015. Collection method: clinical testing. Allele origin: unknown.

NM_002439.5(MSH3):c.579+1G>A

Gene: MSH3 (mutS homolog 3; plus strand). Cytogenetic location: 5q14.1.
Variant type: single nucleotide variant.
Coding change: c.579+1G>A on transcript NM_002439.5 (MANE Select); the canonical splice donor site of the intron after coding-DNA position 579, G replaced by A.
Molecular consequence: splice donor variant.
Genome position (GRCh38, 1-based): chr5:80,665,364, G>A. VCF-style: chr5-80665364-G-A. GRCh37 (hg19) VCF-style: chr5-79961183-G-A.
Identifiers: ClinVar variation 1503258 (VCV001503258.16), dbSNP rs2112809006, ClinGen allele CA360264654.